The following is an entry in ClinVar:

ClinVar aggregate classification (germline): Uncertain significance (1 of 4 stars; one submission).

gnomAD v4.1: 2 of 1,614,082 alleles (0.00012%); highest among the groups gnomAD compares: Admixed American, 0.0033%; no homozygotes.

Submission:

GeneDx
Classification: Uncertain significance. Last evaluated: 2025-03-24. Review status: criteria provided, single submitter. Criteria: GeneDx Variant Classification Process June 2021. Collection method: clinical testing. Allele origin: germline. Affected: yes.
Comment: In silico analysis indicates that this missense variant does not alter protein structure/function; Has not been previously published as pathogenic or benign to our knowledge

NM_024513.4(FYCO1):c.3719G>A (p.Ser1240Asn)

Gene: FYCO1 (FYVE and coiled-coil domain autophagy adaptor 1; minus strand). Cytogenetic location: 3p21.31.
Variant type: single nucleotide variant.
Coding change: c.3719G>A on transcript NM_024513.4 (MANE Select); coding-DNA position 3719, G replaced by A.
Protein change: p.Ser1240Asn; replaces serine 1240 with asparagine.
Molecular consequence: missense variant. On other transcripts: non-coding transcript variant (1).
Genome position (GRCh38, 1-based): chr3:45,958,488, C>T on the plus strand (G>A on the coding strand, the complement: FYCO1 is on the minus strand). VCF-style: chr3-45958488-C-T. GRCh37 (hg19) VCF-style: chr3-45999980-C-T.
Other names: c.3719G>A, p.Ser1240Asn (NM_001386421.1, NM_001386422.1, NM_001386423.1 and 4 more transcripts); c.3599G>A, p.Ser1200Asn (NM_001386426.1); c.3575G>A, p.Ser1192Asn (NM_001386427.1); c.3119G>A, p.Ser1040Asn (NM_001386430.1); short protein forms S1192N, S1240N, S1200N, S1040N.
Identifiers: ClinVar variation 4088233 (VCV004088233.1).
Genomic context (GRCh38, chr3:45,958,488, plus strand): 5'-GGCCCAGGTGAGGCTGGTGACAGTGCAGGGCTGGGCTCTCCCTGGCTAGTGCCTGAGCCA[C>T]TGCTATCAGGGGAGCCAGGGCCTTCACTGAGCTTCTGGAAACAGGCTCGGCAGCAGCGCT-3'
Protein context (NP_078789.2, residues 1230-1250): LSEGPGSPDS[Ser1240Asn]GSGTSQGEPS